The following is an entry in ClinVar:

NM_177438.3(DICER1):c.5021A>C (p.Asn1674Thr)

Gene: DICER1 (dicer 1, ribonuclease III; minus strand). Cytogenetic location: 14q32.13.
Variant type: single nucleotide variant.
Coding change: c.5021A>C on transcript NM_177438.3 (MANE Select); coding-DNA position 5021, A replaced by C.
Protein change: p.Asn1674Thr; replaces asparagine 1674 with threonine.
Molecular consequence: missense variant.
Genome position (GRCh38, 1-based): chr14:95,095,899, T>G on the plus strand (A>C on the coding strand, the complement: DICER1 is on the minus strand). VCF-style: chr14-95095899-T-G. GRCh37 (hg19) VCF-style: chr14-95562236-T-G.
Other names: c.5021A>C, p.Asn1674Thr (NM_001195573.1, NM_001271282.3, NM_001291628.2 and 1 more transcripts); short protein forms N1674T.
Identifiers: ClinVar variation 572050 (VCV000572050.10), dbSNP rs1424203615, ClinGen allele CA390866078.
Genomic context (GRCh38, chr14:95,095,899, plus strand): 5'-TAGTGGTAGGAGGCATGTGTAAAAGCCTGGAGAAGGTAAGCCTTATTCTTGAATCTGTAG[T>G]TGATTTTCTTTTCAAAATTTTCAAACCCCGATATAAGGTGATTCAGTGTTTTATCTGCAT-3'
Protein context (NP_803187.1, residues 1664-1684): SGFENFEKKI[Asn1674Thr]YRFKNKAYLL

ClinVar aggregate classification (germline): Uncertain significance (1 of 4 stars; one submission).

Conditions:
DICER1-related tumor predisposition. Also called: DICER1 syndrome; DICER1-related pleuropulmonary blastoma cancer predisposition syndrome. Identifiers: Orphanet 284343, MedGen C3839822, MONDO:0100216.

Allele frequency attached by ClinVar (database versions not stated): gnomAD exomes below 0.00001; TOPMed below 0.00001; gnomAD 0.00001.
gnomAD v4.1: 3 of 1,614,062 alleles (0.00019%); highest among the groups gnomAD compares: Non-Finnish European, 0.00025%; no homozygotes.

Submission:

Labcorp Genetics (formerly Invitae), Labcorp
Classification: Uncertain significance for DICER1-related tumor predisposition. Last evaluated: 2025-01-14. Review status: criteria provided, single submitter. Criteria: Invitae Variant Classification Sherloc (09022015). Collection method: clinical testing. Allele origin: germline.
Comment: This sequence change replaces asparagine, which is neutral and polar, with threonine, which is neutral and polar, at codon 1674 of the DICER1 protein (p.Asn1674Thr). This variant is not present in population databases (gnomAD no frequency). This variant has not been reported in the literature in individuals affected with DICER1-related conditions. ClinVar contains an entry for this variant (Variation ID: 572050). Invitae Evidence Modeling of protein sequence and biophysical properties (such as structural, functional, and spatial information, amino acid conservation, physicochemical variation, residue mobility, and thermodynamic stability) indicates that this missense variant is not expected to disrupt DICER1 protein function with a negative predictive value of 95%. In summary, the available evidence is currently insufficient to determine the role of this variant in disease. Therefore, it has been classified as a Variant of Uncertain Significance.